The following is an entry in ClinVar:

ClinVar aggregate classification (germline): Uncertain significance (1 of 4 stars; one submission).

Submission:

Labcorp Genetics (formerly Invitae), Labcorp
Classification: Uncertain significance. Last evaluated: 2022-01-12. Review status: criteria provided, single submitter. Criteria: Invitae Variant Classification Sherloc (09022015). Collection method: clinical testing. Allele origin: germline.
Comment: In summary, the available evidence is currently insufficient to determine the role of this variant in disease. Therefore, it has been classified as a Variant of Uncertain Significance. Algorithms developed to predict the effect of missense changes on protein structure and function (SIFT, PolyPhen-2, Align-GVGD) all suggest that this variant is likely to be tolerated. This variant has not been reported in the literature in individuals affected with TFAP2B-related conditions. This variant is not present in population databases (gnomAD no frequency). This sequence change replaces aspartic acid, which is acidic and polar, with glutamic acid, which is acidic and polar, at codon 136 of the TFAP2B protein (p.Asp136Glu).

NM_003221.4(TFAP2B):c.408C>G (p.Asp136Glu)

Gene: TFAP2B (transcription factor AP-2 beta; plus strand). Cytogenetic location: 6p12.3.
Variant type: single nucleotide variant.
Coding change: c.408C>G on transcript NM_003221.4 (MANE Select); coding-DNA position 408, C replaced by G.
Protein change: p.Asp136Glu; replaces aspartic acid 136 with glutamic acid.
Molecular consequence: missense variant.
Genome position (GRCh38, 1-based): chr6:50,823,733, C>G. VCF-style: chr6-50823733-C-G. GRCh37 (hg19) VCF-style: chr6-50791446-C-G.
Other names: short protein forms D136E.
Identifiers: ClinVar variation 2108591 (VCV002108591.4), dbSNP rs921963085, ClinGen allele CA364412888.
Genomic context (GRCh38, chr6:50,823,733, plus strand): 5'-GGAAGCCGGCTCTCTCCTGCCCCAGCCTCGGGCCGCCTTGCCCCAGCTCTCGGGCCTTGA[C>G]CCCCGGAGGGACTACCACTCGGTCCGCCGGCCGGACGTGCTGCTGCATTCGGCGCACCAC-3'
Protein context (NP_003212.2, residues 126-146): RAALPQLSGL[Asp136Glu]PRRDYHSVRR